The following is an entry in ClinVar:

ClinVar aggregate classification (germline): Benign/Likely benign. Review status: criteria provided, multiple submitters, no conflicts (2 of 4 stars). 6 submissions from 6 submitters: Benign (2); Likely benign (1). 3 of the submissions do not count toward it. Last evaluated 2026-02-01.

Allele frequency attached by ClinVar (database versions not stated): 1000 Genomes Project 30x 0.00156; 1000 Genomes Project 0.00160; ESP Exome Variant Server 0.00170; gnomAD 0.00176 and 0.00193; TOPMed 0.00181; ExAC 0.00249; gnomAD exomes 0.00254.
gnomAD v4.1: 3,756 of 1,612,018 alleles (0.23%); highest among the groups gnomAD compares: Middle Eastern, 0.5%; 14 homozygotes.

Submissions (6):

CeGaT Center for Human Genetics Tuebingen
Classification: Likely benign. Last evaluated: 2026-02-01. Review status: criteria provided, single submitter. Criteria: CeGaT Center For Human Genetics Tuebingen Variant Classification Criteria Version 2. Collection method: clinical testing. Allele origin: germline. Affected: yes. Observed: 3 variant alleles.
Comment: ABL1: PM5, BP4, BS1

Labcorp Genetics (formerly Invitae), Labcorp
Classification: Benign. Last evaluated: 2026-02-01. Review status: criteria provided, single submitter. Criteria: Invitae Variant Classification Sherloc (09022015). Collection method: clinical testing. Allele origin: germline.

Breakthrough Genomics
Classification: Benign. Review status: criteria provided, single submitter. Criteria: ACMG Guidelines, 2015. Collection method: not provided. Allele origin: germline. Inheritance: Autosomal dominant inheritance. Affected: yes.

ITMI
No classification provided. Condition: AllHighlyPenetrant. Last evaluated: 2013-09-19. Review status: no classification provided. Collection method: reference population. Allele origin: germline. Not counted in ClinVar's aggregate classification.
Comment: Please see associated publication for description of ethnicities

Clinical Genetics DNA and cytogenetics Diagnostics Lab, Erasmus MC, Erasmus Medical Center
Classification: Likely benign. Review status: no assertion criteria provided. Collection method: clinical testing. Allele origin: germline. Affected: yes. Study: VKGL Data-share Consensus. Not counted in ClinVar's aggregate classification.

Laboratory of Diagnostic Genome Analysis, Leiden University Medical Center (LUMC)
Classification: Benign. Review status: no assertion criteria provided. Collection method: clinical testing. Allele origin: germline. Affected: yes. Study: VKGL Data-share Consensus. Not counted in ClinVar's aggregate classification.

Literature cited by the submitters: PubMed 24728327 (cited by ITMI).

NM_005157.6(ABL1):c.2116G>A (p.Gly706Ser)

Gene: ABL1 (ABL proto-oncogene 1, non-receptor tyrosine kinase; plus strand). Cytogenetic location: 9q34.12.
Variant type: single nucleotide variant.
Coding change: c.2116G>A on transcript NM_005157.6 (MANE Select); coding-DNA position 2116, G replaced by A.
Protein change: p.Gly706Ser; replaces glycine 706 with serine.
Molecular consequence: missense variant.
Genome position (GRCh38, 1-based): chr9:130,884,406, G>A. VCF-style: chr9-130884406-G-A. GRCh37 (hg19) VCF-style: chr9-133759793-G-A.
Other names: c.2173G>A, p.Gly725Ser (NM_007313.3); short protein forms G706S, G725S.
Identifiers: ClinVar variation 133445 (VCV000133445.21), dbSNP rs143837301, ClinGen allele CA156545.
Genomic context (GRCh38, chr9:130,884,406, plus strand): 5'-CTGTGGAAGAAGTCCAGCACGCTGACCAGCAGCCGCCTAGCCACCGGCGAGGAGGAGGGC[G>A]GTGGCAGCTCCAGCAAGCGCTTCCTGCGCTCTTGCTCCGCCTCCTGCGTTCCCCATGGGG-3'
Protein context (NP_005148.2, residues 696-716): SRLATGEEEG[Gly706Ser]GSSSKRFLRS